The following is an entry in ClinVar:

ClinVar aggregate classification (germline): Uncertain significance (1 of 4 stars; one submission).

Allele frequency attached by ClinVar (database versions not stated): gnomAD exomes below 0.00001; TOPMed 0.00001; ExAC 0.00003.

Submission:

Labcorp Genetics (formerly Invitae), Labcorp
Classification: Uncertain significance. Last evaluated: 2022-07-19. Review status: criteria provided, single submitter. Criteria: Invitae Variant Classification Sherloc (09022015). Collection method: clinical testing. Allele origin: germline.
Comment: In summary, the available evidence is currently insufficient to determine the role of this variant in disease. Therefore, it has been classified as a Variant of Uncertain Significance. Algorithms developed to predict the effect of missense changes on protein structure and function are either unavailable or do not agree on the potential impact of this missense change (SIFT: "Deleterious"; PolyPhen-2: "Not Available"; Align-GVGD: "Class C0"). This variant has not been reported in the literature in individuals affected with DDX3X-related conditions. This variant is present in population databases (rs763397133, gnomAD 0.002%). This sequence change replaces arginine, which is basic and polar, with histidine, which is basic and polar, at codon 88 of the DDX3X protein (p.Arg88His).

NM_001356.5(DDX3X):c.263G>A (p.Arg88His)

Gene: DDX3X (DEAD-box helicase 3 X-linked; plus strand). Cytogenetic location: Xp11.4.
Variant type: single nucleotide variant.
Coding change: c.263G>A on transcript NM_001356.5 (MANE Select); coding-DNA position 263, G replaced by A.
Protein change: p.Arg88His; replaces arginine 88 with histidine.
Molecular consequence: missense variant. On other transcripts: 5 prime UTR variant (1), non-coding transcript variant (1).
Genome position (GRCh38, 1-based): chrX:41,341,595, G>A. VCF-style: chrX-41341595-G-A. GRCh37 (hg19) VCF-style: chrX-41200848-G-A.
Other names: c.263G>A, p.Arg88His (NM_001193416.3); c.215G>A, p.Arg72His (NM_001193417.3); c.-296G>A (NM_001363819.1); short protein forms R72H, R88H.
Identifiers: ClinVar variation 2010148 (VCV002010148.4), dbSNP rs763397133, ClinGen allele CA10389385.